The following is an entry in ClinVar:

NM_006623.4(PHGDH):c.946G>A (p.Val316Met)

Gene: PHGDH (phosphoglycerate dehydrogenase; plus strand). Cytogenetic location: 1p12.
Variant type: single nucleotide variant.
Coding change: c.946G>A on transcript NM_006623.4 (MANE Select); coding-DNA position 946, G replaced by A.
Protein change: p.Val316Met; replaces valine 316 with methionine.
Molecular consequence: missense variant.
Genome position (GRCh38, 1-based): chr1:119,740,386, G>A. VCF-style: chr1-119740386-G-A. GRCh37 (hg19) VCF-style: chr1-120283009-G-A.
Other names: short protein forms V316M.
Identifiers: ClinVar variation 656320 (VCV000656320.9), dbSNP rs146398308, ClinGen allele CA1037324.

ClinVar aggregate classification (germline): Uncertain significance. Review status: criteria provided, multiple submitters, no conflicts (2 of 4 stars). 6 submissions from 5 submitters: Uncertain significance (5). 1 of the submissions does not count toward it. Last evaluated 2024-02-15.

Conditions:
PHGDH deficiency. Identifiers: Orphanet 79351, MedGen C1866174, MONDO:0011152, OMIM 601815.
Neu-Laxova syndrome 1 (NLS1). Identifiers: Orphanet 2671, Orphanet 583607, MedGen C4551478, MONDO:0009736, OMIM 256520. Disease mechanism: loss of function.

Allele frequency attached by ClinVar (database versions not stated): ESP Exome Variant Server 0.00008; gnomAD exomes 0.00005; ExAC 0.00008.
gnomAD v4.1: 39 of 1,614,178 alleles (0.0024%); highest among the groups gnomAD compares: South Asian, 0.027%; no homozygotes.

Submissions (6):

ARUP Laboratories, Molecular Genetics and Genomics, ARUP Laboratories
Classification: Uncertain significance. Last evaluated: 2024-02-15. Review status: criteria provided, single submitter. Criteria: ARUP Molecular Germline Variant Investigation Process 2024. Collection method: clinical testing. Allele origin: germline.

Genome-Nilou Lab
Classification: Uncertain significance for Neu-Laxova syndrome 1. Last evaluated: 2023-04-11. Review status: criteria provided, single submitter. Criteria: ACMG Guidelines, 2015. Collection method: clinical testing. Allele origin: germline. Affected: no.

Genome-Nilou Lab
Classification: Uncertain significance for PHGDH deficiency. Last evaluated: 2023-04-11. Review status: criteria provided, single submitter. Criteria: ACMG Guidelines, 2015. Collection method: clinical testing. Allele origin: germline. Affected: no.

Labcorp Genetics (formerly Invitae), Labcorp
Classification: Uncertain significance for PHGDH deficiency. Last evaluated: 2022-09-06. Review status: criteria provided, single submitter. Criteria: Invitae Variant Classification Sherloc (09022015). Collection method: clinical testing. Allele origin: germline.
Comment: This sequence change replaces valine, which is neutral and non-polar, with methionine, which is neutral and non-polar, at codon 316 of the PHGDH protein (p.Val316Met). This variant is present in population databases (rs146398308, gnomAD 0.04%). This variant has not been reported in the literature in individuals affected with PHGDH-related conditions. ClinVar contains an entry for this variant (Variation ID: 656320). Algorithms developed to predict the effect of missense changes on protein structure and function are either unavailable or do not agree on the potential impact of this missense change (SIFT: "Deleterious"; PolyPhen-2: "Probably Damaging"; Align-GVGD: "Class C0"). In summary, the available evidence is currently insufficient to determine the role of this variant in disease. Therefore, it has been classified as a Variant of Uncertain Significance.

Fulgent Genetics
Classification: Uncertain significance for Neu-Laxova syndrome 1; PHGDH deficiency. Last evaluated: 2021-07-22. Review status: criteria provided, single submitter. Criteria: ACMG Guidelines, 2015. Collection method: clinical testing. Allele origin: unknown.

Natera, Inc.
Classification: Uncertain significance for Phosphoglycerate dehydrogenase deficiency. Last evaluated: 2020-02-21. Review status: no assertion criteria provided. Collection method: clinical testing. Allele origin: germline. Not counted in ClinVar's aggregate classification.